The following is an entry in ClinVar:

ClinVar aggregate classification (germline): Pathogenic (1 of 4 stars; one submission).

Allele frequency attached by ClinVar (database versions not stated): gnomAD 0.00001; TOPMed 0.00001.

Submission:

Labcorp Genetics (formerly Invitae), Labcorp
Classification: Pathogenic. Last evaluated: 2023-09-05. Review status: criteria provided, single submitter. Criteria: Invitae Variant Classification Sherloc (09022015). Collection method: clinical testing. Allele origin: germline.
Comment: For these reasons, this variant has been classified as Pathogenic. This variant has not been reported in the literature in individuals affected with TBCD-related conditions. This variant is not present in population databases (gnomAD no frequency). This sequence change creates a premature translational stop signal (p.Glu54*) in the TBCD gene. It is expected to result in an absent or disrupted protein product. Loss-of-function variants in TBCD are known to be pathogenic (PMID: 27666370, 27666374).

Literature cited by the submitters: PubMed 27666370; PubMed 27666374.

NM_005993.5(TBCD):c.160G>T (p.Glu54Ter)

Genes: TBCD (tubulin folding cofactor D), LOC130062062 (ATAC-STARR-seq lymphoblastoid silent region 9229; plus strand). Cytogenetic location: 17q25.3.
Variant type: single nucleotide variant.
Coding change: c.160G>T on transcript NM_005993.5 (MANE Select); coding-DNA position 160, G replaced by T.
Protein change: p.Glu54Ter; replaces glutamic acid 54 with a stop codon.
Molecular consequence: nonsense.
Genome position (GRCh38, 1-based): chr17:82,752,353, G>T. VCF-style: chr17-82752353-G-T. GRCh37 (hg19) VCF-style: chr17-80710229-G-T.
Other names: c.160G>T, p.Glu54Ter (NM_001411101.1, NM_001411102.1); short protein forms E54*.
Identifiers: ClinVar variation 2776803 (VCV002776803.3), dbSNP rs933572056, ClinGen allele CA295248636.